The following is an entry in ClinVar:

ClinVar aggregate classification (germline): Benign. Review status: criteria provided, multiple submitters, no conflicts (2 of 4 stars). 6 submissions from 6 submitters: Benign (5). 1 of the submissions does not count toward it. Last evaluated 2026-02-04.

Conditions:
MYOM1-related disorder.
Cardiovascular phenotype. Identifiers: MedGen CN230736.
Hypertrophic cardiomyopathy. Also called: HYPERTROPHIC MYOCARDIOPATHY. Identifiers: Orphanet 217569, MedGen C0007194, MeSH D002312, MONDO:0005045, HP:0001639.

Allele frequency attached by ClinVar (database versions not stated): ESP Exome Variant Server 0.16037; TOPMed 0.16469; gnomAD exomes 0.17052 and 0.17819; 1000 Genomes Project 30x 0.18145; gnomAD 0.18160 and 0.18296; 1000 Genomes Project 0.18351; ExAC 0.21420.
gnomAD v4.1: 270,941 of 1,575,868 alleles (17%); highest among the groups gnomAD compares: East Asian, 19%; 25,737 homozygotes.

Submissions (6):

Labcorp Genetics (formerly Invitae), Labcorp
Classification: Benign for Hypertrophic cardiomyopathy. Last evaluated: 2026-02-04. Review status: criteria provided, single submitter. Criteria: Invitae Variant Classification Sherloc (09022015). Collection method: clinical testing. Allele origin: germline.

GeneDx
Classification: Benign. Last evaluated: 2018-06-13. Review status: criteria provided, single submitter. Criteria: GeneDx Variant Classification (06012015). Collection method: clinical testing. Allele origin: germline. Affected: yes.
Comment: This variant is considered likely benign or benign based on one or more of the following criteria: it is a conservative change, it occurs at a poorly conserved position in the protein, it is predicted to be benign by multiple in silico algorithms, and/or has population frequency not consistent with disease.

Laboratory for Molecular Medicine, Mass General Brigham Personalized Medicine
Classification: Benign. Last evaluated: 2014-11-24. Review status: criteria provided, single submitter. Criteria: LMM Criteria. Collection method: clinical testing. Allele origin: germline. Observed: 156 variant alleles.
Comment: Ala1554Ala in exon 35 of MYOM1: This variant is not expected to have clinical si gnificance because it does not alter an amino acid residue and is not located wi thin the splice consensus sequence. It has been identified in 17.0% (1395/8220) of European American chromosomes from a broad population by the NHLBI Exome Sequ encing Project (dbSNP rs16944353).

Ambry Genetics
Classification: Benign for Cardiovascular phenotype. Last evaluated: 2013-01-21. Review status: criteria provided, single submitter. Criteria: Ambry Autosomal Dominant and X-Linked criteria (10/2015). Collection method: clinical testing. Allele origin: germline. Observed: 1 variant allele.
Comment: General population or subpopulation frequency is too high to be a pathogenic mutation based on disease/syndrome prevalence and penetrance

Breakthrough Genomics
Classification: Benign. Review status: criteria provided, single submitter. Criteria: ACMG Guidelines, 2015. Collection method: not provided. Allele origin: germline. Inheritance: Unknown mechanism. Affected: yes.

PreventionGenetics, part of Exact Sciences
Classification: Benign for MYOM1-related condition. Last evaluated: 2019-10-28. Review status: no assertion criteria provided. Collection method: clinical testing. Allele origin: germline. Not counted in ClinVar's aggregate classification.
Comment: This variant is classified as benign based on ACMG/AMP sequence variant interpretation guidelines (Richards et al. 2015 PMID: 25741868, with internal and published modifications).

NM_003803.4(MYOM1):c.4662C>T (p.Ala1554=)

Gene: MYOM1 (myomesin 1; minus strand). Cytogenetic location: 18p11.31.
Variant type: single nucleotide variant.
Coding change: c.4662C>T on transcript NM_003803.4 (MANE Select); coding-DNA position 4662, C replaced by T.
Protein change: p.Ala1554=; no amino-acid change (alanine 1554 retained).
Molecular consequence: synonymous variant.
Genome position (GRCh38, 1-based): chr18:3,075,748, G>A on the plus strand (C>T on the coding strand, the complement: MYOM1 is on the minus strand). VCF-style: chr18-3075748-G-A. GRCh37 (hg19) VCF-style: chr18-3075746-G-A.
Other names: c.4374C>T, p.Ala1458= (NM_019856.2).
Identifiers: ClinVar variation 226825 (VCV000226825.19), dbSNP rs1143657, ClinGen allele CA8873870.